The following is an entry in ClinVar:

NM_138615.3(DHX30):c.2354G>A (p.Arg785His)

Gene: DHX30 (DExH-box helicase 30; plus strand). Cytogenetic location: 3p21.31.
Variant type: single nucleotide variant.
Coding change: c.2354G>A on transcript NM_138615.3 (MANE Select); coding-DNA position 2354, G replaced by A.
Protein change: p.Arg785His; replaces arginine 785 with histidine.
Molecular consequence: missense variant.
Genome position (GRCh38, 1-based): chr3:47,848,247, G>A. VCF-style: chr3-47848247-G-A. GRCh37 (hg19) VCF-style: chr3-47889737-G-A.
Other names: c.2270G>A, p.Arg757His (NM_001330990.2); c.2237G>A, p.Arg746His (NM_014966.4); short protein forms R785H, R757H, R746H.
Identifiers: ClinVar variation 453272 (VCV000453272.9), dbSNP rs1553706799, ClinGen allele CA352590368.

ClinVar aggregate classification (germline): Pathogenic/Likely pathogenic. Review status: criteria provided, multiple submitters, no conflicts (2 of 4 stars). 5 submissions from 5 submitters: Pathogenic (3); Likely pathogenic (1). 1 of the submissions does not count toward it. Last evaluated 2024-12-23.

Conditions:
DHX30-related disorder. Also called: DHX30-related condition.
Neurodevelopmental disorder with severe motor impairment and absent language. Also called: NEURODEVELOPMENTAL DISORDER WITH VARIABLE MOTOR AND LANGUAGE IMPAIRMENT. Identifiers: Orphanet 647788, MedGen C4540496, MONDO:0060622, OMIM 617804.
Inborn genetic diseases. Identifiers: MedGen C0950123, MeSH D030342.

Submissions (5):

PreventionGenetics, part of Exact Sciences
Classification: Pathogenic for DHX30-related condition. Last evaluated: 2024-12-23. Review status: criteria provided, single submitter. Criteria: ACMG Guidelines, 2015. Collection method: clinical testing. Allele origin: germline.
Comment: The DHX30 c.2354G>A variant is predicted to result in the amino acid substitution p.Arg785His. This variant has been reported de novo in multiple individuals with neurodevelopmental disorder with variable motor and speech impairment (Lessel et al. 2017. PubMed ID: 29100085; Table S1, McRae et al. 2017. PubMed ID: 28135719; Table S1, Mannucci et al. 2021. PubMed ID: 34020708; Ueda et al. 2021. PubMed ID: 34145223). Functional studies showed that this variant reduces ATPase activities (Lessel et al. 2017. PubMed ID: 29100085). This variant has not been reported in a large population database (gnomAD), indicating this variant is rare. This variant is interpreted as pathogenic.

ARUP Laboratories, Molecular Genetics and Genomics, ARUP Laboratories
Classification: Pathogenic for Neurodevelopmental disorder with severe motor impairment and absent language. Last evaluated: 2024-06-28. Review status: criteria provided, single submitter. Criteria: ARUP Molecular Germline Variant Investigation Process 2024. Collection method: clinical testing. Allele origin: germline.
Comment: The DHX30 c.2354G>A; p.Arg785His variant (rs1553706799 , ClinVar Variation ID 453272), as well as another variant at the same codon (c.2353C>T; p.Arg785Cys), have been reported in the de novo state in several individuals with NEDMIAL (Lessel 2017, Mannucci 2021, Ueda 2021). This variant is absent from the Genome Aggregation Database (v2.1.1), indicating it is not a common polymorphism. Computational analyses predict that this variant is deleterious (REVEL: 0.952). Functional analyses of the p.Arg785His variant protein show impaired ATPase activity (Lessel 2017). Based on available information, the p.Arg785His variant is considered to be pathogenic. References: Lessel D et al. De Novo Missense Mutations in DHX30 Impair Global Translation and Cause a Neurodevelopmental Disorder. Am J Hum Genet. 2017 Nov 2;101(5):716-724. PMID: 29100085. Mannucci I et al. Genotype-phenotype correlations and novel molecular insights into the DHX30-associated neurodevelopmental disorders. Genome Med. 2021 May 21;13(1):90. PMID: 34020708. Ueda K et al. A Japanese adult and two girls with NEDMIAL caused by de novo missense variants in DHX30. Hum Genome Var. 2021 Jun 18;8(1):24. PMID: 34145223.

GeneDx
Classification: Pathogenic. Last evaluated: 2023-09-23. Review status: criteria provided, single submitter. Criteria: GeneDx Variant Classification Process June 2021. Collection method: clinical testing. Allele origin: germline. Affected: yes.
Comment: Published functional studies demonstrate a detrimental effect to protein function with reduced ATPase activity, a large number of cytoplasmic aggregates, and a reduced level of translation activity in HEK293T cells (Lessel et al., 2017); In silico analysis supports that this missense variant has a deleterious effect on protein structure/function; Not observed at significant frequency in large population cohorts (gnomAD); This variant is associated with the following publications: (PMID: 28135719, 28191890, 34145223, 34020708, 29100085)

Ambry Genetics
Classification: Likely pathogenic for Inborn genetic diseases. Last evaluated: 2017-12-04. Review status: criteria provided, single submitter. Criteria: Ambry exome assertion method (8-5-2015). Collection method: clinical testing. Allele origin: germline. Affected: yes. Observed: 1 variant allele.

OMIM
Classification: Pathogenic for NEURODEVELOPMENTAL DISORDER WITH VARIABLE MOTOR AND SPEECH IMPAIRMENT. Last evaluated: 2023-02-27. Review status: no assertion criteria provided. Collection method: literature only. Allele origin: germline. Not counted in ClinVar's aggregate classification.

Literature cited by the submitters: PubMed 29100085 (cited by Ambry Genetics and OMIM).